The following is an entry in ClinVar:

ClinVar aggregate classification (germline): Uncertain significance. Review status: criteria provided, multiple submitters, no conflicts (2 of 4 stars). 15 submissions from 8 submitters: Uncertain significance (14). 1 of the submissions does not count toward it. Last evaluated 2026-08-04.

Conditions:
Leber congenital amaurosis (LCA). Also called: Leber's amaurosis. Identifiers: Orphanet 65, MedGen C0339527, MeSH D057130, MONDO:0018998.
Senior-Loken syndrome 6 (SLSN6). Identifiers: Orphanet 3156, MedGen C1857779, MONDO:0012433, OMIM 610189.
Joubert syndrome 5 (JBTS5). Identifiers: Orphanet 2318, MedGen C1857780, MONDO:0012432, OMIM 610188.
Leber congenital amaurosis 10 (LCA10). Identifiers: Orphanet 65, MedGen C1857821, MONDO:0012723, OMIM 611755.
Bardet-Biedl syndrome 14 (BBS14). Identifiers: Orphanet 110, MedGen C2673874, MONDO:0014442, OMIM 615991.
Meckel syndrome, type 4 (MKS4). Also called: MECKEL-GRUBER SYNDROME, TYPE 4. Identifiers: Orphanet 564, MedGen C1970161, MONDO:0012626, OMIM 611134.
CEP290-related disorder. Also called: CEP290-related condition; CEP290-related disorders. Identifiers: MedGen CN239314.
Meckel-Gruber syndrome. Also called: Dysencephalia splachnocystica; DYSENCEPHALIA SPLANCHNOCYSTICA; GRUBER SYNDROME. Identifiers: Orphanet 564, MedGen C0265215, MONDO:0018921.
Nephronophthisis. Also called: Juvenile Nephronophthisis. Identifiers: Orphanet 655, MedGen C0687120, MONDO:0019005, HP:0000090.
Joubert syndrome. Also called: JOUBERT-BOLTSHAUSER SYNDROME; Familial aplasia of the vermis. Identifiers: Orphanet 475, MedGen C5979921, MONDO:0018772.

Allele frequency attached by ClinVar (database versions not stated): gnomAD 0.00001; TOPMed 0.00001; ExAC 0.00004; gnomAD exomes 0.00004.
gnomAD v4.1: 26 of 1,613,742 alleles (0.0016%); highest among the groups gnomAD compares: Middle Eastern, 0.049%; no homozygotes.

Submissions (15):

PreventionGenetics, part of Exact Sciences
Classification: Uncertain significance for CEP290-related condition. Last evaluated: 2026-08-04. Review status: criteria provided, single submitter. Criteria: ACMG Guidelines, 2015. Collection method: clinical testing. Allele origin: germline.
Comment: The CEP290 c.3709C>T variant is predicted to result in the amino acid substitution p.Arg1237Cys. To our knowledge, this variant has not been reported in the literature. This variant is reported in 0.012% of alleles in individuals of Latino descent in gnomAD. At this time, the clinical significance of this variant is uncertain due to the absence of conclusive functional and genetic evidence.

GeneDx
Classification: Uncertain significance. Last evaluated: 2025-04-22. Review status: criteria provided, single submitter. Criteria: GeneDx Variant Classification Process June 2021. Collection method: clinical testing. Allele origin: germline. Affected: yes.
Comment: Not observed at significant frequency in large population cohorts (gnomAD); In silico analysis supports that this missense variant has a deleterious effect on protein structure/function; Has not been previously published as pathogenic or benign to our knowledge

Blueprint Genetics
Classification: Uncertain significance. Last evaluated: 2024-04-19. Review status: criteria provided, single submitter. Criteria: ACMG Guidelines, 2015. Collection method: clinical testing. Allele origin: germline.

Labcorp Genetics (formerly Invitae), Labcorp
Classification: Uncertain significance for Joubert syndrome; Meckel-Gruber syndrome; Nephronophthisis. Last evaluated: 2022-06-27. Review status: criteria provided, single submitter. Criteria: Invitae Variant Classification Sherloc (09022015). Collection method: clinical testing. Allele origin: germline.
Comment: This sequence change replaces arginine, which is basic and polar, with cysteine, which is neutral and slightly polar, at codon 1237 of the CEP290 protein (p.Arg1237Cys). This variant is present in population databases (rs768864296, gnomAD 0.01%). This variant has not been reported in the literature in individuals affected with CEP290-related conditions. ClinVar contains an entry for this variant (Variation ID: 880644). Algorithms developed to predict the effect of missense changes on protein structure and function (SIFT, PolyPhen-2, Align-GVGD) all suggest that this variant is likely to be disruptive. In summary, the available evidence is currently insufficient to determine the role of this variant in disease. Therefore, it has been classified as a Variant of Uncertain Significance.

Fulgent Genetics
Classification: Uncertain significance for Joubert syndrome 5; Senior-Loken syndrome 6; Meckel syndrome, type 4; Leber congenital amaurosis 10; Bardet-Biedl syndrome 14. Last evaluated: 2022-04-06. Review status: criteria provided, single submitter. Criteria: ACMG Guidelines, 2015. Collection method: clinical testing. Allele origin: unknown.

Genome-Nilou Lab
Classification: Uncertain significance for Bardet-Biedl syndrome 14. Last evaluated: 2021-07-14. Review status: criteria provided, single submitter. Criteria: ACMG Guidelines, 2015. Collection method: clinical testing. Allele origin: germline. Affected: no.

Genome-Nilou Lab
Classification: Uncertain significance for Joubert syndrome 5. Last evaluated: 2021-07-14. Review status: criteria provided, single submitter. Criteria: ACMG Guidelines, 2015. Collection method: clinical testing. Allele origin: germline. Affected: no.

Genome-Nilou Lab
Classification: Uncertain significance for Meckel syndrome, type 4. Last evaluated: 2021-07-14. Review status: criteria provided, single submitter. Criteria: ACMG Guidelines, 2015. Collection method: clinical testing. Allele origin: germline. Affected: no.

Genome-Nilou Lab
Classification: Uncertain significance for Senior-Loken syndrome 6. Last evaluated: 2021-07-14. Review status: criteria provided, single submitter. Criteria: ACMG Guidelines, 2015. Collection method: clinical testing. Allele origin: germline. Affected: no.

Illumina Laboratory Services, Illumina
Classification: Uncertain significance for Bardet-Biedl syndrome 14. Last evaluated: 2018-01-13. Review status: criteria provided, single submitter. Criteria: ICSL Variant Classification Criteria 13 December 2019. Collection method: clinical testing. Allele origin: germline.

Illumina Laboratory Services, Illumina
Classification: Uncertain significance for Joubert syndrome 5. Last evaluated: 2018-01-13. Review status: criteria provided, single submitter. Criteria: ICSL Variant Classification Criteria 13 December 2019. Collection method: clinical testing. Allele origin: germline.

Illumina Laboratory Services, Illumina
Classification: Uncertain significance for Meckel syndrome, type 4. Last evaluated: 2018-01-13. Review status: criteria provided, single submitter. Criteria: ICSL Variant Classification Criteria 13 December 2019. Collection method: clinical testing. Allele origin: germline.

Illumina Laboratory Services, Illumina
Classification: Uncertain significance for Leber congenital amaurosis 10. Last evaluated: 2018-01-13. Review status: criteria provided, single submitter. Criteria: ICSL Variant Classification Criteria 13 December 2019. Collection method: clinical testing. Allele origin: germline.

Illumina Laboratory Services, Illumina
Classification: Uncertain significance for Senior-Loken syndrome 6. Last evaluated: 2018-01-13. Review status: criteria provided, single submitter. Criteria: ICSL Variant Classification Criteria 13 December 2019. Collection method: clinical testing. Allele origin: germline.

Natera, Inc.
Classification: Uncertain significance for Leber congenital amaurosis. Last evaluated: 2020-04-17. Review status: no assertion criteria provided. Collection method: clinical testing. Allele origin: germline. Not counted in ClinVar's aggregate classification.

NM_025114.4(CEP290):c.3709C>T (p.Arg1237Cys)

Gene: CEP290 (centrosomal protein 290; minus strand). Cytogenetic location: 12q21.32.
Variant type: single nucleotide variant.
Coding change: c.3709C>T on transcript NM_025114.4 (MANE Select); coding-DNA position 3709, C replaced by T.
Protein change: p.Arg1237Cys; replaces arginine 1237 with cysteine.
Molecular consequence: missense variant.
Genome position (GRCh38, 1-based): chr12:88,089,352, G>A on the plus strand (C>T on the coding strand, the complement: CEP290 is on the minus strand). VCF-style: chr12-88089352-G-A. GRCh37 (hg19) VCF-style: chr12-88483129-G-A.
Other names: short protein forms R1237C.
Identifiers: ClinVar variation 880644 (VCV000880644.18), dbSNP rs768864296, ClinGen allele CA6712097.